The following is an entry in ClinVar:

ClinVar aggregate classification (germline): Uncertain significance (1 of 4 stars; one submission).

Conditions:
Developmental and epileptic encephalopathy, 53. Also called: Epileptic encephalopathy, early infantile, 53. Identifiers: MedGen C4479313, MONDO:0033362, OMIM 617389.
Early-onset Parkinson disease 20. Also called: PARKINSON DISEASE 20, AUTOSOMAL RECESSIVE EARLY-ONSET. Identifiers: Orphanet 391411, MedGen C3809824, MONDO:0014233, OMIM 615530.

gnomAD v4.1: 11 of 1,533,396 alleles (0.00072%); highest among the groups gnomAD compares: East Asian, 0.0025%; no homozygotes.

Submission:

Labcorp Genetics (formerly Invitae), Labcorp
Classification: Uncertain significance for Developmental and epileptic encephalopathy, 53; Early-onset Parkinson disease 20. Last evaluated: 2020-07-09. Review status: criteria provided, single submitter. Criteria: Invitae Variant Classification Sherloc (09022015). Collection method: clinical testing. Allele origin: germline.
Comment: This sequence change replaces arginine with lysine at codon 32 of the SYNJ1 protein (p.Arg32Lys). The arginine residue is weakly conserved and there is a small physicochemical difference between arginine and lysine. This variant also falls at the last nucleotide of exon 1 of the SYNJ1 coding sequence, which is part of the consensus splice site for this exon. The frequency data for this variant in the population databases is considered unreliable, as metrics indicate insufficient coverage at this position in the ExAC database. This variant has not been reported in the literature in individuals with SYNJ1-related conditions. Algorithms developed to predict the effect of missense changes on protein structure and function are either unavailable or do not agree on the potential impact of this missense change (SIFT: "Deleterious"; PolyPhen-2: "Possibly Damaging"; Align-GVGD: "Class C0"). Nucleotide substitutions within the consensus splice site are a relatively common cause of aberrant splicing (PMID: 17576681, 9536098). Algorithms developed to predict the effect of sequence changes on RNA splicing suggest that this variant may disrupt the consensus splice site, but this prediction has not been confirmed by published transcriptional studies. In summary, the available evidence is currently insufficient to determine the role of this variant in disease. Therefore, it has been classified as a Variant of Uncertain Significance.

Literature cited by the submitters: PubMed 17576681; PubMed 9536098.

NM_203446.3(SYNJ1):c.-23G>A

Gene: SYNJ1 (synaptojanin 1; minus strand). Cytogenetic location: 21q22.11.
Variant type: single nucleotide variant.
Coding change: c.-23G>A on transcript NM_203446.3 (MANE Select); 23 bases upstream of the start codon, G replaced by A.
Molecular consequence: 5 prime UTR variant. On other transcripts: missense variant (1).
Genome position (GRCh38, 1-based): chr21:32,727,946, C>T on the plus strand (G>A on the coding strand, the complement: SYNJ1 is on the minus strand). VCF-style: chr21-32727946-C-T. GRCh37 (hg19) VCF-style: chr21-34100257-C-T.
Other names: c.95G>A, p.Arg32Lys (NM_003895.4); short protein forms R32K.
Identifiers: ClinVar variation 1024247 (VCV001024247.9), dbSNP rs1195858283, ClinGen allele CA410078597.
Genomic context (GRCh38, chr21:32,727,946, plus strand): 5'-CCGCCCGGCTGCCCGTGGGTCTGGCCGCAGCAGCTCCCCGCCCCCCGCCGGCTTGCTCAC[C>T]TCTTCCTCCGGCTCCTCCTCCTCCTTCTCCCGCAGCCGCCGCCACAGCCGCCGGGAGCGT-3'